The following is an entry in ClinVar:

ClinVar aggregate classification (germline): Uncertain significance (1 of 4 stars; one submission).

Conditions:
GCDH-related disorder. Also called: GCDH-related condition.

Submission:

PreventionGenetics, part of Exact Sciences
Classification: Uncertain significance for GCDH-related condition. Last evaluated: 2023-08-29. Review status: criteria provided, single submitter. Criteria: ACMG Guidelines, 2015. Collection method: clinical testing. Allele origin: germline.
Comment: The GCDH c.161T>C variant is predicted to result in the amino acid substitution p.Leu54Pro. This variant has been reported with a GCDH loss-of-function variant in an individual with glutaric acidemia 1 (Table 1, Kurkina et al. 2020. PubMed ID: 32240488). This variant has not been reported in a large population database, indicating this variant is rare. Although we suspect that this variant may be pathogenic, at this time, the clinical significance of this variant is uncertain due to the absence of conclusive functional and genetic evidence.

NM_000159.4(GCDH):c.161T>C (p.Leu54Pro)

Genes: GCDH (glutaryl-CoA dehydrogenase; plus strand), LOC117125594 (CRISPRi-FlowFISH-validated KLF1 regulatory element; plus strand). Cytogenetic location: 19p13.13.
Variant type: single nucleotide variant.
Coding change: c.161T>C on transcript NM_000159.4 (MANE Select); coding-DNA position 161, T replaced by C.
Protein change: p.Leu54Pro; replaces leucine 54 with proline.
Molecular consequence: missense variant. On other transcripts: non-coding transcript variant (2).
Genome position (GRCh38, 1-based): chr19:12,891,864, T>C. VCF-style: chr19-12891864-T-C. GRCh37 (hg19) VCF-style: chr19-13002678-T-C.
Other names: c.161T>C, p.Leu54Pro (NM_013976.5); short protein forms L54P.
Identifiers: ClinVar variation 2631486 (VCV002631486.1), dbSNP rs2512564849, ClinGen allele CA404314907.
Genomic context (GRCh38, chr19:12,891,864, plus strand): 5'-TGGACCGAGGCGAATTCCCCTTCCCAGCCTCGCGTCCCGAGTTTGACTGGCAGGACCCGC[T>C]GGTGCTGGAGGAGCAGCTGACCACAGATGAGATCCTCATCAGGGACACCTTCCGCACCTA-3'
Protein context (NP_000150.1, residues 44-64): SRPEFDWQDP[Leu54Pro]VLEEQLTTDE